The following is an entry in ClinVar:

NM_021803.4(IL21):c.394C>T (p.Pro132Ser)

Gene: IL21 (interleukin 21; minus strand). Cytogenetic location: 4q27.
Variant type: single nucleotide variant.
Coding change: c.394C>T on transcript NM_021803.4 (MANE Select); coding-DNA position 394, C replaced by T.
Protein change: p.Pro132Ser; replaces proline 132 with serine.
Molecular consequence: missense variant.
Genome position (GRCh38, 1-based): chr4:122,612,895, G>A on the plus strand (C>T on the coding strand, the complement: IL21 is on the minus strand). VCF-style: chr4-122612895-G-A. GRCh37 (hg19) VCF-style: chr4-123534050-G-A.
Other names: c.394C>T, p.Pro132Ser (NM_001207006.3); short protein forms P132S.
Identifiers: ClinVar variation 2086558 (VCV002086558.4), dbSNP rs1578434817, ClinGen allele CA358221037.

ClinVar aggregate classification (germline): Uncertain significance (1 of 4 stars; one submission).

gnomAD v4.1: 2 of 1,611,036 alleles (0.00012%); highest among the groups gnomAD compares: South Asian, 0.0022%; no homozygotes.

Submission:

Labcorp Genetics (formerly Invitae), Labcorp
Classification: Uncertain significance. Last evaluated: 2025-09-13. Review status: criteria provided, single submitter. Criteria: Invitae Variant Classification Sherloc (09022015). Collection method: clinical testing. Allele origin: germline.
Comment: This sequence change replaces proline, which is neutral and non-polar, with serine, which is neutral and polar, at codon 132 of the IL21 protein (p.Pro132Ser). This variant is not present in population databases (gnomAD no frequency). This variant has not been reported in the literature in individuals affected with IL21-related conditions. ClinVar contains an entry for this variant (Variation ID: 2086558). An algorithm developed to predict the effect of missense changes on protein structure and function (PolyPhen-2) suggests that this variant is likely to be tolerated. In summary, the available evidence is currently insufficient to determine the role of this variant in disease. Therefore, it has been classified as a Variant of Uncertain Significance.